The following is an entry in ClinVar:

GRCh38/hg38 8p12-q11.1(chr8:35340961-46330497)x3

Genes: IDO2 (indoleamine 2,3-dioxygenase 2; plus strand), IKBKB (inhibitor of nuclear factor kappa B kinase subunit beta; plus strand), IKBKB-DT (IKBKB divergent transcript; minus strand), POLB (DNA polymerase beta; plus strand), POMK (protein O-mannose kinase; plus strand) and 269 more. Cytogenetic location: 8p12-q11.1.
Variant type: copy number gain.
Change: copy number 3 (three copies instead of two) of chr8:35,340,961-46,330,497 (10.99 Mb, GRCh38 coordinates, 1-based), cytogenetic band 8p12-q11.1.
Identifiers: ClinVar variation 4888407 (VCV004888407.1).

ClinVar aggregate classification (germline): Pathogenic (1 of 4 stars; one submission).

Conditions:
8p proximal duplication.

Submission:

New York Genome Center
Classification: Pathogenic for 8p proximal duplication. Last evaluated: 2023-10-20. Review status: criteria provided, single submitter. Criteria: NYGC Assertion Criteria 2020. Collection method: clinical testing. Allele origin: de novo. Observed: 1 variant allele.
Comment: The de novo 8p12q10 variant identified here is a 11Mb duplication on the short arm of chromosome 8 (8p) and extending through the centromere of chromosome 8 (8q10). This duplication encompasses 112 genes, including 53 OMIM associated genes, 16 of which are associated with disease in OMIM (KCNU1, ERLIN2, PLPBP, ADRB3, STAR, DDHD2, FGFR1, ADAM9, ANK1, KAT6A, IKBKB, SLC20A2, THAP1, RNF170, POMK, HGSNAT). Duplications in this region or small marker chromosomes with similar genomic content have been reported in the literature in individuals with variable phenotypes including mild/moderate developmental delay, speech delay, variable intellectual disability, craniofacial anomalies, hypotonia, feeding difficulties, cleft soft palate, tracheomalacia, mild coarctation of the aorta, multicystic kidney disease and mild ventriculomegaly [PMID: 30800050, 20461109, 26273445, 9332666, others]. This specific 8p12q10 [chr8:(35330541-35340961)_(46330497-46443885)dup] is absent from population databases (Database of Genomic Variation, gnomAD SVs) suggesting it is not a common benign variant in the populations represented in those databases. Several smaller duplications are reported in ClinVar as Pathogenic [VarIDs: 59782, 154596, 59784]. Duplications similar to, or smaller than and fully contained within the one identified here, as well as small marker chromosomes with similar genomic content have been reported in many affected individuals with variable phenotypes including neurodevelopmental disorders and multicystic kidney disease [PMID: 30800050, 20461109, 26273445, 9332666, others]. Given its presence de novo in this fetus, report of affected individuals in the literature with similar or smaller duplications fully contained within the one identified here, and its absence in population databases, the de novo 11Mb 8p12q10 duplication is reported as Pathogenic,